The following is an entry in ClinVar:

ClinVar aggregate classification (germline): Likely benign (1 of 4 stars; one submission).

Conditions:
Marfan syndrome (MFS). Also called: MARFAN SYNDROME, TYPE I; Marfan syndrome type 1; Marfan's syndrome; Marfan syndrome, classic; FBN1-Related Marfan Syndrome. Identifiers: Orphanet 284963, Orphanet 558, MedGen C0024796, MONDO:0007947, OMIM 154700.

Submission:

All of Us Research Program, National Institutes of Health
Classification: Likely benign for Marfan syndrome. Last evaluated: 2023-12-13. Review status: criteria provided, single submitter. Criteria: ACMG Guidelines, 2015. Collection method: clinical testing. Allele origin: germline. Inheritance: Autosomal dominant inheritance. Observed: 1 variant allele, 1 heterozygote.
Comment: This study involves interpretation of variants in research participants for the purpose of population health screening. Participant phenotype was not available at the time of variant classification. Additional details can be found in publication PMID: 35346344, PMCID: PMC8962531

NM_000138.5(FBN1):c.8061T>G (p.Val2687=)

Gene: FBN1 (fibrillin 1; minus strand). Cytogenetic location: 15q21.1.
Variant type: single nucleotide variant.
Coding change: c.8061T>G on transcript NM_000138.5 (MANE Select); coding-DNA position 8061, T replaced by G.
Protein change: p.Val2687=; no amino-acid change (valine 2687 retained).
Molecular consequence: synonymous variant.
Genome position (GRCh38, 1-based): chr15:48,412,734, A>C on the plus strand (T>G on the coding strand, the complement: FBN1 is on the minus strand). VCF-style: chr15-48412734-A-C. GRCh37 (hg19) VCF-style: chr15-48704931-A-C.
Other names: c.8061T>G, p.Val2687= (NM_001406716.1).
Identifiers: ClinVar variation 3074796 (VCV003074796.1), dbSNP rs2505375896, ClinGen allele CA490014806.